The following is an entry in ClinVar:

ClinVar aggregate classification (germline): Pathogenic. Review status: criteria provided, multiple submitters, no conflicts (2 of 4 stars). 3 submissions from 3 submitters: Pathogenic (3). Last evaluated 2025-06-24.

Conditions:
Hereditary cancer-predisposing syndrome. Also called: Tumor predisposition; Hereditary Cancer Syndrome; Hereditary neoplastic syndrome; Neoplastic Syndromes, Hereditary. Identifiers: Orphanet 140162, MedGen C0027672, MeSH D009386, MONDO:0015356.
Familial adenomatous polyposis 1 (FAP1). Also called: FAMILIAL ADENOMATOUS POLYPOSIS 1, ATTENUATED; POLYPOSIS, ADENOMATOUS INTESTINAL. Identifiers: MedGen C2713442, MONDO:0021056, OMIM 175100. Disease mechanism: loss of function.

Submissions (3):

Labcorp Genetics (formerly Invitae), Labcorp
Classification: Pathogenic for Familial adenomatous polyposis 1. Last evaluated: 2025-06-24. Review status: criteria provided, single submitter. Criteria: Invitae Variant Classification Sherloc (09022015). Collection method: clinical testing. Allele origin: germline.
Comment: This sequence change creates a premature translational stop signal (p.Arg1920Glufs*50) in the APC gene. While this is not anticipated to result in nonsense mediated decay, it is expected to disrupt the last 924 amino acid(s) of the APC protein. This variant is not present in population databases (gnomAD no frequency). This premature translational stop signal has been observed in individual(s) with APC-related conditions (PMID: 26023681). ClinVar contains an entry for this variant (Variation ID: 183880). This variant is expected to disrupt the EB1 and HDLG binding sites, which mediate interactions with the cytoskeleton (PMID: 15311282, 17293347). While functional studies have not been performed to directly test the effect on APC protein function, this suggests that disruption of the C-terminal portion of the protein is functionally important. This variant disrupts a region of the APC protein in which other variant(s) (p.Tyr2645Lysfs*14) have been determined to be pathogenic (PMID: 1316610, 8381579, 9824584, 22135120, 27081525; internal data). This suggests that this is a clinically significant region of the protein, and that variants that disrupt it are likely to be disease-causing. For these reasons, this variant has been classified as Pathogenic.

Myriad Genetics, Inc.
Classification: Pathogenic for Familial adenomatous polyposis 1. Last evaluated: 2023-05-12. Review status: criteria provided, single submitter. Criteria: Myriad Autosomal Dominant, Autosomal Recessive and X-Linked Classification Criteria (2023). Collection method: clinical testing. Allele origin: unknown.
Comment: This variant is considered pathogenic. This variant creates a frameshift predicted to result in premature protein truncation.

Ambry Genetics
Classification: Pathogenic for Hereditary cancer-predisposing syndrome. Last evaluated: 2018-02-23. Review status: criteria provided, single submitter. Criteria: Ambry Variant Classification Scheme 2023. Collection method: clinical testing. Allele origin: germline.
Comment: The c.5757delT pathogenic mutation, located in coding exon 15 of the APC gene, results from a deletion of one nucleotide at nucleotide position 5757, causing a translational frameshift with a predicted alternate stop codon (p.R1920Efs*50). In addition to the information presented in the literature, this alteration is expected to result in loss of function by premature protein truncation. As such, this alteration is interpreted as a disease-causing mutation.

Literature cited by the submitters: PubMed 26023681 (cited by Labcorp Genetics (formerly Invitae), Labcorp and Ambry Genetics); PubMed 15311282 (cited by Labcorp Genetics (formerly Invitae), Labcorp); PubMed 17293347 (cited by Labcorp Genetics (formerly Invitae), Labcorp); PubMed 1316610 (cited by Labcorp Genetics (formerly Invitae), Labcorp); PubMed 8381579 (cited by Labcorp Genetics (formerly Invitae), Labcorp); PubMed 9824584 (cited by Labcorp Genetics (formerly Invitae), Labcorp); PubMed 22135120 (cited by Labcorp Genetics (formerly Invitae), Labcorp); PubMed 27081525 (cited by Labcorp Genetics (formerly Invitae), Labcorp).

NM_000038.6(APC):c.5757del (p.Arg1920fs)

Gene: APC (APC regulator of Wnt signaling pathway; plus strand). Cytogenetic location: 5q22.2.
Variant type: Deletion.
Coding change: c.5757del on transcript NM_000038.6 (MANE Select); coding-DNA position 5757, one base deleted (T; older notation c.5757delT).
Protein change: p.Arg1920fs; shifts the reading frame from arginine 1920.
Molecular consequence: frameshift variant.
Genome position (GRCh38, 1-based): chr5:112,841,351, T deleted. VCF-style (leftmost placement, unchanged base first): chr5-112841350-AT-A. GRCh37 (hg19) VCF-style: chr5-112177047-AT-A.
Other names: c.5757del, p.Arg1920fs (NM_001127510.3, NM_001354895.2); c.5703del, p.Arg1902fs (NM_001127511.3); c.5811del, p.Arg1938fs (NM_001354896.2); c.5787del, p.Arg1930fs (NM_001354897.2); c.5682del, p.Arg1895fs (NM_001354898.2); c.5673del, p.Arg1892fs (NM_001354899.2); c.5634del, p.Arg1879fs (NM_001354900.2); c.5580del, p.Arg1861fs (NM_001354901.2); and 5 more; short protein forms R1760fs, R1829fs, R1920fs, R1892fs, R1895fs, R1930fs, R1637fs, R1819fs.
Identifiers: ClinVar variation 183880 (VCV000183880.10), dbSNP rs786201134, ClinGen allele CA010629.